The following is an entry in ClinVar:

NM_014208.3(DSPP):c.2306A>G (p.Asp769Gly)

Genes: DMP1-AS1 (DMP1 and DSPP antisense RNA 1; minus strand), DSPP (dentin sialophosphoprotein; plus strand). Cytogenetic location: 4q22.1.
Variant type: single nucleotide variant.
Coding change: c.2306A>G on transcript NM_014208.3 (MANE Select); coding-DNA position 2306, A replaced by G.
Protein change: p.Asp769Gly; replaces aspartic acid 769 with glycine.
Molecular consequence: missense variant.
Genome position (GRCh38, 1-based): chr4:87,614,968, A>G. VCF-style: chr4-87614968-A-G. GRCh37 (hg19) VCF-style: chr4-88536120-A-G.
Other names: short protein forms D769G.
Identifiers: ClinVar variation 2297266 (VCV002297266.28), dbSNP rs370931212, ClinGen allele CA3001225.

ClinVar aggregate classification (germline): Conflicting classifications of pathogenicity. Review status: criteria provided, conflicting classifications (1 of 4 stars). 3 submissions from 3 submitters: Uncertain significance (1); Benign (1); Likely benign (1). Last evaluated 2025-08-31.

Conditions:
Inborn genetic diseases. Identifiers: MedGen C0950123, MeSH D030342.

Allele frequency attached by ClinVar (database versions not stated): gnomAD exomes 0.00003; ExAC 0.00010; gnomAD 0.00049; ESP Exome Variant Server 0.00054; TOPMed 0.00058; 1000 Genomes Project 0.00080.

Submissions (3):

Ambry Genetics
Classification: Uncertain significance for Inborn genetic diseases. Last evaluated: 2025-08-31. Review status: criteria provided, single submitter. Criteria: Ambry Variant Classification Scheme 2023. Collection method: clinical testing. Allele origin: germline.

Blueprint Genetics
Classification: Likely benign. Last evaluated: 2022-04-01. Review status: criteria provided, single submitter. Criteria: ACMG Guidelines, 2015. Collection method: clinical testing. Allele origin: germline.

CeGaT Center for Human Genetics Tuebingen
Classification: Benign. Last evaluated: 2022-04-01. Review status: criteria provided, single submitter. Criteria: CeGaT Center For Human Genetics Tuebingen Variant Classification Criteria Version 2. Collection method: clinical testing. Allele origin: germline. Affected: yes. Observed: 1 variant allele.
Comment: DSPP: BS1, BS2